The following is an entry in ClinVar:

ClinVar aggregate classification (germline): Uncertain significance (1 of 4 stars; one submission).

Allele frequency attached by ClinVar (database versions not stated): gnomAD 0.00001; gnomAD exomes 0.00002; TOPMed 0.00002.

Submission:

Labcorp Genetics (formerly Invitae), Labcorp
Classification: Uncertain significance. Last evaluated: 2023-03-13. Review status: criteria provided, single submitter. Criteria: Invitae Variant Classification Sherloc (09022015). Collection method: clinical testing. Allele origin: germline.
Comment: In summary, the available evidence is currently insufficient to determine the role of this variant in disease. Therefore, it has been classified as a Variant of Uncertain Significance. Experimental studies and prediction algorithms are not available or were not evaluated, and the functional significance of this variant is currently unknown. This variant has not been reported in the literature in individuals affected with FDX2-related conditions. This variant is present in population databases (no rsID available, gnomAD 0.003%). This sequence change replaces valine, which is neutral and non-polar, with alanine, which is neutral and non-polar, at codon 73 of the FDX2 protein (p.Val73Ala).

NM_001397406.1(FDX2):c.209T>C (p.Val70Ala)

Genes: FDX2 (ferredoxin 2; minus strand), FDX2-ZGLP1 (FDX2-ZGLP1 readthrough (NMD candidate); minus strand). Cytogenetic location: 19p13.2.
Variant type: single nucleotide variant.
Coding change: c.209T>C on transcript NM_001397406.1 (MANE Select); coding-DNA position 209, T replaced by C.
Protein change: p.Val70Ala; replaces valine 70 with alanine.
Molecular consequence: missense variant. On other transcripts: non-coding transcript variant (2).
Genome position (GRCh38, 1-based): chr19:10,315,484, A>G on the plus strand (T>C on the coding strand, the complement: FDX2 is on the minus strand). VCF-style: chr19-10315484-A-G. GRCh37 (hg19) VCF-style: chr19-10426160-A-G.
Other names: c.218T>C, p.Val73Ala (NM_001031734.4); short protein forms V70A, V73A.
Identifiers: ClinVar variation 2976639 (VCV002976639.3), dbSNP rs1447503973, ClinGen allele CA403979062.